The following is an entry in ClinVar:

ClinVar aggregate classification (germline): Uncertain significance (1 of 4 stars; one submission).

Conditions:
Hereditary cancer-predisposing syndrome. Also called: Neoplastic Syndromes, Hereditary; Hereditary Cancer Syndrome; Tumor predisposition; Hereditary neoplastic syndrome. Identifiers: Orphanet 140162, MedGen C0027672, MeSH D009386, MONDO:0015356.

Submission:

Labcorp Genetics (formerly Invitae), Labcorp
Classification: Uncertain significance for Hereditary cancer-predisposing syndrome. Last evaluated: 2023-07-07. Review status: criteria provided, single submitter. Criteria: Invitae Variant Classification Sherloc (09022015). Collection method: clinical testing. Allele origin: germline.
Comment: In summary, the available evidence is currently insufficient to determine the role of this variant in disease. Therefore, it has been classified as a Variant of Uncertain Significance. Advanced modeling of protein sequence and biophysical properties (such as structural, functional, and spatial information, amino acid conservation, physicochemical variation, residue mobility, and thermodynamic stability) performed at Invitae indicates that this missense variant is expected to disrupt RAD50 protein function. ClinVar contains an entry for this variant (Variation ID: 1472018). This variant has not been reported in the literature in individuals affected with RAD50-related conditions. This variant is not present in population databases (gnomAD no frequency). This sequence change replaces tryptophan, which is neutral and slightly polar, with cysteine, which is neutral and slightly polar, at codon 164 of the RAD50 protein (p.Trp164Cys).

NM_005732.4(RAD50):c.492G>T (p.Trp164Cys)

Gene: RAD50 (RAD50 double strand break repair protein; plus strand). Cytogenetic location: 5q31.1.
Variant type: single nucleotide variant.
Coding change: c.492G>T on transcript NM_005732.4 (MANE Select); coding-DNA position 492, G replaced by T.
Protein change: p.Trp164Cys; replaces tryptophan 164 with cysteine.
Molecular consequence: missense variant.
Genome position (GRCh38, 1-based): chr5:132,579,443, G>T. VCF-style: chr5-132579443-G-T. GRCh37 (hg19) VCF-style: chr5-131915135-G-T.
Other names: short protein forms W164C.
Identifiers: ClinVar variation 1472018 (VCV001472018.8), dbSNP rs2149837773, ClinGen allele CA360934602.